The following is an entry in ClinVar:

ClinVar aggregate classification (germline): Pathogenic (1 of 4 stars; one submission).

Conditions:
Familial renal glucosuria (GLYS). Also called: RENAL GLUCOSURIA, AUTOSOMAL DOMINANT; Familial renal glycosuria. Identifiers: Orphanet 69076, MedGen C3245525, MONDO:0009297, OMIM 233100.

gnomAD v4.1: 1 of 1,605,446 alleles (0.000062%); highest among the groups gnomAD compares: South Asian, 0.0011%; no homozygotes.

Submission:

Victorian Clinical Genetics Services, Murdoch Childrens Research Institute
Classification: Pathogenic for Familial renal glucosuria. Last evaluated: 2026-06-21. Review status: criteria provided, single submitter. Criteria: ACMG Guidelines, 2015. Collection method: clinical testing. Allele origin: germline. Affected: yes.
Comment: This variant is classified as Pathogenic. Evidence in support of pathogenic classification: Variant is predicted to cause nonsense-mediated decay (NMD) and loss of protein (premature termination codon is located at least 54 nucleotides upstream of the final exon-exon junction); Variant is present in gnomAD <0.01 (v4: 1 heterozygote(s), 0 homozygote(s)); Other NMD-predicted variant(s) comparable to the one identified in this case have very strong previous evidence for pathogenicity (DECIPHER). Additional information: This variant is heterozygous; This gene is associated with both recessive and dominant disease. Variants in this gene have been reported to cause both dominant and recessive disease, with recessive disease being more severe and with early onset (OMIM, PMID: 22314875, 28365451, 24908283); This variant has no previous evidence of pathogenicity; No published evidence of segregation with disease has been identified for this variant; No published functional evidence has been identified for this variant; Loss of function is a known mechanism of disease in this gene and is associated with renal glucosuria (MIM#233100); The condition associated with this gene has incomplete penetrance. The same variants have been reported as heterozygous in both affected and unaffected individuals (PMID: 28365451, 21165652); Inheritance information for this variant is not currently available in this individual.

Literature cited by the submitters: PubMed 28365451; PubMed 24908283; PubMed 21165652; PubMed 22314875.

NM_003041.4(SLC5A2):c.1287G>A (p.Trp429Ter)

Gene: SLC5A2 (solute carrier family 5 member 2; plus strand). Cytogenetic location: 16p11.2.
Variant type: single nucleotide variant.
Coding change: c.1287G>A on transcript NM_003041.4 (MANE Select); coding-DNA position 1287, G replaced by A.
Protein change: p.Trp429Ter; replaces tryptophan 429 with a stop codon.
Molecular consequence: nonsense.
Genome position (GRCh38, 1-based): chr16:31,488,886, G>A. VCF-style: chr16-31488886-G-A. GRCh37 (hg19) VCF-style: chr16-31500207-G-A.
Other names: short protein forms W429*.
Identifiers: ClinVar variation 4879630 (VCV004879630.1).
Genomic context (GRCh38, chr16:31,488,886, plus strand): 5'-CGCACCTGCAGGGGAGCCCAGGGTCCGGGTTCGATCCGACGGCCTCCGCCGCAGGCTCTG[G>A]GTGGTGTTCATCGTGGTAGTGTCGGTGGCCTGGCTTCCCGTGGTGCAGGCGGCACAGGGC-3'